The following is an entry in ClinVar:

ClinVar aggregate classification (germline): Uncertain significance. Review status: criteria provided, multiple submitters, no conflicts (2 of 4 stars). 2 submissions from 2 submitters: Uncertain significance (2). Last evaluated 2022-12-12.

Conditions:
Developmental and epileptic encephalopathy, 42 (DEE42A). Also called: DEVELOPMENTAL AND EPILEPTIC ENCEPHALOPATHY 42A; EPILEPTIC ENCEPHALOPATHY, EARLY INFANTILE, 42A; Epileptic encephalopathy, early infantile, 42. Identifiers: MedGen C4310716, MONDO:0014917, OMIM 617106.
Episodic ataxia type 2 (EA2). Also called: ATAXIA, EPISODIC, WITH NYSTAGMUS; ATAXIA, FAMILIAL PAROXYSMAL; CEREBELLAR ATAXIA, PAROXYSMAL, ACETAZOLAMIDE-RESPONSIVE; CEREBELLOPATHY, HEREDITARY PAROXYSMAL; EPISODIC ATAXIA, NYSTAGMUS-ASSOCIATED; ACETAZOLAMIDE-RESPONSIVE HEREDITARY PAROXYSMAL CEREBELLAR ATAXIA. Identifiers: Orphanet 97, MedGen C1720416, MONDO:0007163, OMIM 108500.

Allele frequency attached by ClinVar (database versions not stated): TOPMed below 0.00001; ExAC 0.00001; gnomAD exomes 0.00001.
gnomAD v4.1: 9 of 1,604,366 alleles (0.00056%); highest among the groups gnomAD compares: East Asian, 0.0022%; no homozygotes.

Submissions (2):

Labcorp Genetics (formerly Invitae), Labcorp
Classification: Uncertain significance for Developmental and epileptic encephalopathy, 42; Episodic ataxia type 2. Last evaluated: 2022-12-12. Review status: criteria provided, single submitter. Criteria: Invitae Variant Classification Sherloc (09022015). Collection method: clinical testing. Allele origin: germline.
Comment: Advanced modeling of protein sequence and biophysical properties (such as structural, functional, and spatial information, amino acid conservation, physicochemical variation, residue mobility, and thermodynamic stability) has been performed at Invitae for this missense variant, however the output from this modeling did not meet the statistical confidence thresholds required to predict the impact of this variant on CACNA1A protein function. In summary, the available evidence is currently insufficient to determine the role of this variant in disease. Therefore, it has been classified as a Variant of Uncertain Significance. ClinVar contains an entry for this variant (Variation ID: 1481809). This variant has not been reported in the literature in individuals affected with CACNA1A-related conditions. This variant is present in population databases (rs746460335, gnomAD 0.006%). This sequence change replaces arginine, which is basic and polar, with tryptophan, which is neutral and slightly polar, at codon 1880 of the CACNA1A protein (p.Arg1880Trp).

GeneDx
Classification: Uncertain significance. Last evaluated: 2022-11-14. Review status: criteria provided, single submitter. Criteria: GeneDx Variant Classification Process June 2021. Collection method: clinical testing. Allele origin: germline. Affected: yes.
Comment: In silico analysis supports that this missense variant has a deleterious effect on protein structure/function; Has not been previously published as pathogenic or benign to our knowledge

NM_001127222.2(CACNA1A):c.5635C>T (p.Arg1879Trp)

Gene: CACNA1A (calcium voltage-gated channel subunit alpha1 A; minus strand). Cytogenetic location: 19p13.13.
Variant type: single nucleotide variant.
Coding change: c.5635C>T on transcript NM_001127222.2 (MANE Select); coding-DNA position 5635, C replaced by T.
Protein change: p.Arg1879Trp; replaces arginine 1879 with tryptophan.
Molecular consequence: missense variant.
Genome position (GRCh38, 1-based): chr19:13,224,763, G>A on the plus strand (C>T on the coding strand, the complement: CACNA1A is on the minus strand). VCF-style: chr19-13224763-G-A. GRCh37 (hg19) VCF-style: chr19-13335577-G-A.
Other names: c.5653C>T, p.Arg1885Trp (NM_000068.4, NM_023035.3); c.5638C>T, p.Arg1880Trp (NM_001127221.2); c.5644C>T, p.Arg1882Trp (NM_001174080.2); short protein forms R1882W, R1879W, R1880W, R1885W.
Identifiers: ClinVar variation 1481809 (VCV001481809.7), dbSNP rs746460335, ClinGen allele CA9239628.
Genomic context (GRCh38, chr19:13,224,763, plus strand): 5'-GAGCCATGAGGGTGGAATTGAAGTGGACGGTGTTGTCATCTGCGACGGGCAGGTCCATCC[G>A]CAGAAGCCGCTACAGAAAACCCAAGGCAAGCGCAGTCATTCCCAGGCATCCCTCCTGGGT-3'
Protein context (NP_001120694.1, residues 1869-1889): PARVAYKRLL[Arg1879Trp]MDLPVADDNT